The following is an entry in ClinVar:

ClinVar aggregate classification (germline): association (0 of 4 stars; one submission).

Conditions:
Lip and oral cavity carcinoma. Identifiers: MedGen C0220641, MONDO:0023644.

Allele frequency attached by ClinVar (database versions not stated): gnomAD 0.43339 and 0.44051; TOPMed 0.44881; 1000 Genomes Project 0.45128; 1000 Genomes Project 30x 0.46018.
gnomAD v4.1: 65,845 of 152,002 alleles (43%); highest among the groups gnomAD compares: African/African-American, 75%; 17,389 homozygotes.

Submission:

Department of Biological Science, Sunandan Divatia School of Science, NMIMS University
Classification: association for Lip and oral cavity carcinoma. Last evaluated: 2015-11-02. Review status: no assertion criteria provided. Collection method: case-control. Allele origin: not applicable.
Comment: The frequency of the homozygous WT and SNP genotypes was higher in the oral cancer patients in comparison to controls implying the role of this genotype in predisposition of oral cancer while the heterozygous genotype frequency was higher in controls indicating decreased risk to oral cancer.

Literature cited by the submitters: PubMed 26614431.

NM_024870.4(PREX2):c.142-2489C>T

Gene: PREX2 (phosphatidylinositol-3,4,5-trisphosphate dependent Rac exchange factor 2; plus strand). Cytogenetic location: 8q13.2.
Variant type: single nucleotide variant.
Coding change: c.142-2489C>T on transcript NM_024870.4 (MANE Select); 2489 bases into the intron before coding-DNA position 142, C replaced by T.
Molecular consequence: intron variant.
Genome position (GRCh38, 1-based): chr8:68,015,357, C>T. VCF-style: chr8-68015357-C-T. GRCh37 (hg19) VCF-style: chr8-68927592-C-T.
Other names: c.142-2489C>T (NM_025170.6).
Identifiers: ClinVar variation 252989 (VCV000252989.3), dbSNP rs4512367, ClinGen allele CA10586146.
Genomic context (GRCh38, chr8:68,015,357, plus strand): 5'-CAAACATCTAAAATCTGCCTTCACTGTTGTATAAAATGAGGACCTTGGGAAAAAGAAATG[C>T]TTGGTCAGAAATGCTAACAAGTTCCAGATTTCCTTTCATATACAATTAAACAAAAAGTTC-3'